The following is an entry in ClinVar:

NM_001042681.2(RERE):c.2085T>C (p.Asp695=)

Gene: RERE (arginine-glutamic acid dipeptide repeats; minus strand). Cytogenetic location: 1p36.23.
Variant type: single nucleotide variant.
Coding change: c.2085T>C on transcript NM_001042681.2 (MANE Select); coding-DNA position 2085, T replaced by C.
Protein change: p.Asp695=; no amino-acid change (aspartic acid 695 retained).
Molecular consequence: synonymous variant.
Genome position (GRCh38, 1-based): chr1:8,361,422, A>G on the plus strand (T>C on the coding strand, the complement: RERE is on the minus strand). VCF-style: chr1-8361422-A-G. GRCh37 (hg19) VCF-style: chr1-8421482-A-G.
Other names: c.423T>C, p.Asp141= (NM_001042682.2); c.2085T>C, p.Asp695= (NM_012102.4).
Identifiers: ClinVar variation 3257673 (VCV003257673.17).

ClinVar aggregate classification (germline): Likely benign (1 of 4 stars; one submission).

gnomAD v4.1: 14 of 1,613,736 alleles (0.00087%); highest among the groups gnomAD compares: Non-Finnish European, 0.0012%; no homozygotes.

Submission:

CeGaT Center for Human Genetics Tuebingen
Classification: Likely benign. Last evaluated: 2024-11-01. Review status: criteria provided, single submitter. Criteria: CeGaT Center For Human Genetics Tuebingen Variant Classification Criteria Version 2. Collection method: clinical testing. Allele origin: germline. Affected: yes. Observed: 2 variant alleles.
Comment: RERE: BP4, BP7